The following is an entry in ClinVar:

NM_000124.4(ERCC6):c.3071-1G>A

Gene: ERCC6 (ERCC excision repair 6, chromatin remodeling factor; minus strand). Cytogenetic location: 10q11.23.
Variant type: single nucleotide variant.
Coding change: c.3071-1G>A on transcript NM_000124.4 (MANE Select); the canonical splice acceptor site of the intron before coding-DNA position 3071, G replaced by A.
Molecular consequence: splice acceptor variant.
Genome position (GRCh38, 1-based): chr10:49,470,890, C>T on the plus strand (G>A on the coding strand, the complement: ERCC6 is on the minus strand). VCF-style: chr10-49470890-C-T. GRCh37 (hg19) VCF-style: chr10-50678936-C-T.
Other names: c.3071-1G>A (NM_001346440.2).
Identifiers: ClinVar variation 551813 (VCV000551813.5), dbSNP rs1554875287, ClinGen allele CA376717216.

ClinVar aggregate classification (germline): Pathogenic. Review status: criteria provided, single submitter (1 of 4 stars). 2 submissions from 2 submitters: Pathogenic (1). 1 of the submissions does not count toward it. Last evaluated 2023-08-14.

Conditions:
DE SANCTIS-CACCHIONE SYNDROME. Identifiers: MedGen C0265201, MONDO:0010217, OMIM 278800.
Cockayne syndrome type 2 (CSB). Also called: Cockayne Syndrome, Type II; COCKAYNE SYNDROME B. Identifiers: Orphanet 191, Orphanet 90322, MedGen C0751038, MONDO:0019570, OMIM 133540.
Cerebrooculofacioskeletal syndrome 1 (COFS1). Also called: Cerebro-oculo-facio-skeletal syndrome 1. Identifiers: MedGen C0220722, MONDO:0008955, OMIM 214150.

Submissions (2):

Labcorp Genetics (formerly Invitae), Labcorp
Classification: Pathogenic. Last evaluated: 2023-08-14. Review status: criteria provided, single submitter. Criteria: Invitae Variant Classification Sherloc (09022015). Collection method: clinical testing. Allele origin: germline.
Comment: Algorithms developed to predict the effect of sequence changes on RNA splicing suggest that this variant may disrupt the consensus splice site. For these reasons, this variant has been classified as Pathogenic. Disruption of this splice site has been observed in individual(s) with Cockayne syndrome (PMID: 33904453). It has also been observed to segregate with disease in related individuals. ClinVar contains an entry for this variant (Variation ID: 551813). This sequence change affects an acceptor splice site in intron 17 of the ERCC6 gene. It is expected to disrupt RNA splicing. Variants that disrupt the donor or acceptor splice site typically lead to a loss of protein function (PMID: 16199547), and loss-of-function variants in ERCC6 are known to be pathogenic (PMID: 18628313, 29572252). This variant is not present in population databases (gnomAD no frequency).

Counsyl
Classification: Likely pathogenic for Cockayne syndrome type 2; Cerebrooculofacioskeletal syndrome 1; DE SANCTIS-CACCHIONE SYNDROME. Last evaluated: 2017-05-09. Review status: no assertion criteria provided. Collection method: clinical testing. Allele origin: unknown. Not counted in ClinVar's aggregate classification.

Literature cited by the submitters: PubMed 33904453 (cited by Labcorp Genetics (formerly Invitae), Labcorp); PubMed 16199547 (cited by Labcorp Genetics (formerly Invitae), Labcorp); PubMed 18628313 (cited by Labcorp Genetics (formerly Invitae), Labcorp); PubMed 29572252 (cited by Labcorp Genetics (formerly Invitae), Labcorp).